The following is an entry in ClinVar:

ClinVar aggregate classification (germline): Uncertain significance (1 of 4 stars; one submission).

Submission:

GeneDx
Classification: Uncertain significance. Last evaluated: 2023-06-22. Review status: criteria provided, single submitter. Criteria: GeneDx Variant Classification Process June 2021. Collection method: clinical testing. Allele origin: germline. Affected: yes.
Comment: Not observed at significant frequency in large population cohorts (gnomAD); Missense variants in this gene are often considered pathogenic (HGMD); In silico analysis supports that this missense variant has a deleterious effect on protein structure/function; Has not been previously published as pathogenic or benign to our knowledge; This substitution is predicted to be in the cytoplasmic loop between the first and second homologous domains

NM_001330260.2(SCN8A):c.2213A>G (p.Tyr738Cys)

Gene: SCN8A (sodium voltage-gated channel alpha subunit 8; plus strand). Cytogenetic location: 12q13.13.
Variant type: single nucleotide variant.
Coding change: c.2213A>G on transcript NM_001330260.2 (MANE Select); coding-DNA position 2213, A replaced by G.
Protein change: p.Tyr738Cys; replaces tyrosine 738 with cysteine.
Molecular consequence: missense variant.
Genome position (GRCh38, 1-based): chr12:51,751,436, A>G. VCF-style: chr12-51751436-A-G. GRCh37 (hg19) VCF-style: chr12-52145220-A-G.
Other names: c.2213A>G, p.Tyr738Cys (NM_001177984.3, NM_001369788.1, NM_014191.4); short protein forms Y738C.
Identifiers: ClinVar variation 3360263 (VCV003360263.1).